The following is an entry in ClinVar:

ClinVar aggregate classification (germline): Uncertain significance (1 of 4 stars; one submission).

gnomAD v4.1: 1 of 1,614,232 alleles (0.000062%); highest among the groups gnomAD compares: Non-Finnish European, 0.000085%; no homozygotes.

Submission:

Women's Health and Genetics/Laboratory Corporation of America, LabCorp
Classification: Uncertain significance. Last evaluated: 2025-10-28. Review status: criteria provided, single submitter. Criteria: LabCorp Variant Classification Summary - May 2015. Collection method: clinical testing. Allele origin: germline.
Comment: Variant summary: ABCC8 c.3626G>A (p.Gly1209Glu) results in a non-conservative amino acid change in the encoded protein sequence. Algorithms developed to predict the effect of missense changes on protein structure and function all suggest that this variant is likely to be disruptive. The variant was absent in 251486 control chromosomes. The available data on variant occurrences in the general population are insufficient to allow any conclusion about variant significance. c.3626G>A has been observed in an individual affected with a clinical cuspicion of Maturity-Onset Diabetes of the Young (Colclough_2022). These data do not allow any conclusion about variant significance. To our knowledge, no experimental evidence demonstrating an impact on protein function has been reported. The following publication have been ascertained in the context of this evaluation (PMID: 34789499). No submitters have cited clinical-significance assessments for this variant to ClinVar. Based on the evidence outlined above, the variant was classified as uncertain significance.

Literature cited by the submitters: PubMed 34789499.

NM_000352.6(ABCC8):c.3626G>A (p.Gly1209Glu)

Gene: ABCC8 (ATP binding cassette subfamily C member 8; minus strand). Cytogenetic location: 11p15.1.
Variant type: single nucleotide variant.
Coding change: c.3626G>A on transcript NM_000352.6 (MANE Select); coding-DNA position 3626, G replaced by A.
Protein change: p.Gly1209Glu; replaces glycine 1209 with glutamic acid.
Molecular consequence: missense variant. On other transcripts: non-coding transcript variant (1).
Genome position (GRCh38, 1-based): chr11:17,402,685, C>T on the plus strand (G>A on the coding strand, the complement: ABCC8 is on the minus strand). VCF-style: chr11-17402685-C-T. GRCh37 (hg19) VCF-style: chr11-17424232-C-T.
Other names: c.3629G>A, p.Gly1210Glu (NM_001287174.3); c.3692G>A, p.Gly1231Glu (NM_001351295.2); c.3626G>A, p.Gly1209Glu (NM_001351296.2); c.3623G>A, p.Gly1208Glu (NM_001351297.2); short protein forms G1208E, G1209E, G1210E, G1231E.
Identifiers: ClinVar variation 4687681 (VCV004687681.1).